The following is an entry in ClinVar:

NM_001378454.1(ALMS1):c.6817G>A (p.Ala2273Thr)

Gene: ALMS1 (ALMS1 centrosome and basal body associated protein; plus strand). Cytogenetic location: 2p13.1.
Variant type: single nucleotide variant.
Coding change: c.6817G>A on transcript NM_001378454.1 (MANE Select); coding-DNA position 6817, G replaced by A.
Protein change: p.Ala2273Thr; replaces alanine 2273 with threonine.
Molecular consequence: missense variant.
Genome position (GRCh38, 1-based): chr2:73,453,344, G>A. VCF-style: chr2-73453344-G-A. GRCh37 (hg19) VCF-style: chr2-73680471-G-A.
Other names: c.6820G>A, p.Ala2274Thr (NM_015120.4); short protein forms A2273T, A2274T.
Identifiers: ClinVar variation 1755635 (VCV001755635.3), dbSNP rs1197335384, ClinGen allele CA347289509.
Genomic context (GRCh38, chr2:73,453,344, plus strand): 5'-GAAAATAGTGCTAAAACTCTTAAGGAAATTCGGACACTTTTGATGGAGGCAGAAAATATG[G>A]CACTGAAACGATGCAATTTTCCTGCTCCCCTTGCCCGTTTCAGAGATATTAGTGATATTT-3'
Protein context (NP_001365383.1, residues 2263-2283): RTLLMEAENM[Ala2273Thr]LKRCNFPAPL

ClinVar aggregate classification (germline): Uncertain significance. Review status: criteria provided, multiple submitters, no conflicts (2 of 4 stars). 2 submissions from 2 submitters: Uncertain significance (2). Last evaluated 2025-06-16.

Conditions:
Alstrom syndrome (ALMS). Identifiers: Orphanet 64, MedGen C0268425, MONDO:0008763, OMIM 203800.
Cardiovascular phenotype. Identifiers: MedGen CN230736.

Submissions (2):

Labcorp Genetics (formerly Invitae), Labcorp
Classification: Uncertain significance for Alstrom syndrome. Last evaluated: 2025-06-16. Review status: criteria provided, single submitter. Criteria: Invitae Variant Classification Sherloc (09022015). Collection method: clinical testing. Allele origin: germline.
Comment: This sequence change replaces alanine, which is neutral and non-polar, with threonine, which is neutral and polar, at codon 2274 of the ALMS1 protein (p.Ala2274Thr). This variant is present in population databases (no rsID available, gnomAD 0.01%). This variant has not been reported in the literature in individuals affected with ALMS1-related conditions. ClinVar contains an entry for this variant (Variation ID: 1755635). Experimental studies and prediction algorithms are not available or were not evaluated, and the functional significance of this variant is currently unknown. In summary, the available evidence is currently insufficient to determine the role of this variant in disease. Therefore, it has been classified as a Variant of Uncertain Significance.

Ambry Genetics
Classification: Uncertain significance for Cardiovascular phenotype. Last evaluated: 2022-05-11. Review status: criteria provided, single submitter. Criteria: Ambry Variant Classification Scheme 2023. Collection method: clinical testing. Allele origin: germline.
Comment: The p.A2274T variant (also known as c.6820G>A), located in coding exon 8 of the ALMS1 gene, results from a G to A substitution at nucleotide position 6820. The alanine at codon 2274 is replaced by threonine, an amino acid with similar properties. This amino acid position is highly conserved in available vertebrate species. In addition, the in silico prediction for this alteration is inconclusive. Since supporting evidence is limited at this time, the clinical significance of this alteration remains unclear.